The following is an entry in ClinVar:

ClinVar aggregate classification (germline): Uncertain significance. Review status: criteria provided, multiple submitters, no conflicts (2 of 4 stars). 4 submissions from 4 submitters: Uncertain significance (4). Last evaluated 2025-09-03.

Conditions:
Hereditary cancer-predisposing syndrome. Also called: Tumor predisposition; Hereditary Cancer Syndrome; Hereditary neoplastic syndrome; Neoplastic Syndromes, Hereditary. Identifiers: Orphanet 140162, MedGen C0027672, MeSH D009386, MONDO:0015356.
Juvenile polyposis syndrome (JPS). Identifiers: Orphanet 2929, MedGen C0345893, MONDO:0017380, OMIM 174900.

Allele frequency attached by ClinVar (database versions not stated): TOPMed 0.00001.

Submissions (4):

Labcorp Genetics (formerly Invitae), Labcorp
Classification: Uncertain significance for Juvenile polyposis syndrome. Last evaluated: 2025-09-03. Review status: criteria provided, single submitter. Criteria: Invitae Variant Classification Sherloc (09022015). Collection method: clinical testing. Allele origin: germline.
Comment: This sequence change replaces serine, which is neutral and polar, with tyrosine, which is neutral and polar, at codon 301 of the BMPR1A protein (p.Ser301Tyr). This variant is present in population databases (no rsID available, gnomAD 0.0009%). This variant has not been reported in the literature in individuals affected with BMPR1A-related conditions. ClinVar contains an entry for this variant (Variation ID: 234223). Invitae Evidence Modeling incorporating data from in vitro experimental studies (internal data) indicates that this missense variant is not expected to disrupt BMPR1A function with a negative predictive value of 95%. In summary, the available evidence is currently insufficient to determine the role of this variant in disease. Therefore, it has been classified as a Variant of Uncertain Significance.

Ambry Genetics
Classification: Uncertain significance for Hereditary cancer-predisposing syndrome. Last evaluated: 2024-05-21. Review status: criteria provided, single submitter. Criteria: Ambry Variant Classification Scheme 2023. Collection method: clinical testing. Allele origin: germline.
Comment: The p.S301Y variant (also known as c.902C>A), located in coding exon 8 of the BMPR1A gene, results from a C to A substitution at nucleotide position 902. The serine at codon 301 is replaced by tyrosine, an amino acid with dissimilar properties. This amino acid position is well conserved in available vertebrate species. In addition, the in silico prediction for this alteration is inconclusive. Since supporting evidence is limited at this time, the clinical significance of this alteration remains unclear.

All of Us Research Program, National Institutes of Health
Classification: Uncertain significance for Juvenile polyposis syndrome. Last evaluated: 2024-05-14. Review status: criteria provided, single submitter. Criteria: ACMG Guidelines, 2015. Collection method: clinical testing. Allele origin: germline. Inheritance: Autosomal dominant inheritance. Observed: 1 variant allele, 1 heterozygote.
Comment: This missense variant replaces serine with tyrosine at codon 301 of the BMPR1A protein. Computational prediction suggests that this variant may have deleterious impact on protein structure and function (internally defined REVEL score threshold >= 0.7, PMID: 27666373). To our knowledge, functional studies have not been reported for this variant. This variant has not been reported in individuals affected with BMPR1A-related disorders in the literature. This variant has not been identified in the general population by the Genome Aggregation Database (gnomAD). The available evidence is insufficient to determine the role of this variant in disease conclusively. Therefore, this variant is classified as a Variant of Uncertain Significance.

This study involves interpretation of variants in research participants for the purpose of population health screening. Participant phenotype was not available at the time of variant classification. Additional details can be found in publication PMID: 35346344, PMCID: PMC8962531

Color Diagnostics, LLC DBA Color Health
Classification: Uncertain significance for Hereditary cancer-predisposing syndrome. Last evaluated: 2024-03-06. Review status: criteria provided, single submitter. Criteria: ACMG Guidelines, 2015. Collection method: clinical testing. Allele origin: germline.
Comment: This missense variant replaces serine with tyrosine at codon 301 of the BMPR1A protein. Computational prediction suggests that this variant may have deleterious impact on protein structure and function (internally defined REVEL score threshold >= 0.7, PMID: 27666373). To our knowledge, functional studies have not been reported for this variant. This variant has not been reported in individuals affected with BMPR1A-related disorders in the literature. This variant has not been identified in the general population by the Genome Aggregation Database (gnomAD). The available evidence is insufficient to determine the role of this variant in disease conclusively. Therefore, this variant is classified as a Variant of Uncertain Significance.

NM_004329.3(BMPR1A):c.902C>A (p.Ser301Tyr)

Gene: BMPR1A (bone morphogenetic protein receptor type 1A; plus strand). Cytogenetic location: 10q23.2.
Variant type: single nucleotide variant.
Coding change: c.902C>A on transcript NM_004329.3 (MANE Select); coding-DNA position 902, C replaced by A.
Protein change: p.Ser301Tyr; replaces serine 301 with tyrosine.
Molecular consequence: missense variant.
Genome position (GRCh38, 1-based): chr10:86,919,205, C>A. VCF-style: chr10-86919205-C-A. GRCh37 (hg19) VCF-style: chr10-88678962-C-A.
Other names: short protein forms S301Y.
Identifiers: ClinVar variation 234223 (VCV000234223.19), dbSNP rs876660939, ClinGen allele CA10578891.